The following is an entry in ClinVar:

NM_025215.6(PUS1):c.457G>A (p.Gly153Ser)

Gene: PUS1 (pseudouridine synthase 1; plus strand). Cytogenetic location: 12q24.33.
Variant type: single nucleotide variant.
Coding change: c.457G>A on transcript NM_025215.6 (MANE Select); coding-DNA position 457, G replaced by A.
Protein change: p.Gly153Ser; replaces glycine 153 with serine.
Molecular consequence: missense variant.
Genome position (GRCh38, 1-based): chr12:131,939,188, G>A. VCF-style: chr12-131939188-G-A. GRCh37 (hg19) VCF-style: chr12-132423733-G-A.
Other names: p.G153S:GGC>AGC; c.373G>A, p.Gly125Ser (NM_001002019.3, NM_001002020.3); short protein forms G125S, G153S.
Identifiers: ClinVar variation 215043 (VCV000215043.4), dbSNP rs372753711, ClinGen allele CA323709.
Genomic context (GRCh38, chr12:131,939,188, plus strand): 5'-GCCCAAGGGACCCACCTTCCGTCACCCGTTCTGCTTTGTTTACAGGGTGTGTCCGCAGCC[G>A]GCCAGGTGGTATCCCTGAAGGTGTGGCTGATTGACGACATTCTAGAAAAGATCAACAGCC-3'
Protein context (NP_079491.2, residues 143-163): ARTDKGVSAA[Gly153Ser]QVVSLKVWLI

ClinVar aggregate classification (germline): Conflicting classifications of pathogenicity. Review status: criteria provided, conflicting classifications (1 of 4 stars). 2 submissions from 2 submitters: Likely pathogenic (1); Uncertain significance (1). Last evaluated 2022-04-20.

Allele frequency attached by ClinVar (database versions not stated): gnomAD exomes 0.00001; TOPMed 0.00002; gnomAD 0.00004; ESP Exome Variant Server 0.00008; ExAC below 0.00001.

Submissions (2):

Labcorp Genetics (formerly Invitae), Labcorp
Classification: Uncertain significance. Last evaluated: 2022-04-20. Review status: criteria provided, single submitter. Criteria: Invitae Variant Classification Sherloc (09022015). Collection method: clinical testing. Allele origin: germline.
Comment: This sequence change replaces glycine, which is neutral and non-polar, with serine, which is neutral and polar, at codon 153 of the PUS1 protein (p.Gly153Ser). This variant is present in population databases (rs372753711, gnomAD 0.006%). This variant has not been reported in the literature in individuals affected with PUS1-related conditions. ClinVar contains an entry for this variant (Variation ID: 215043). Algorithms developed to predict the effect of missense changes on protein structure and function are either unavailable or do not agree on the potential impact of this missense change (SIFT: "Tolerated"; PolyPhen-2: "Probably Damaging"; Align-GVGD: "Class C0"). In summary, the available evidence is currently insufficient to determine the role of this variant in disease. Therefore, it has been classified as a Variant of Uncertain Significance.

GeneDx
Classification: Likely pathogenic. Last evaluated: 2014-04-04. Review status: criteria provided, single submitter. Criteria: GeneDx Variant Classification (06012015). Collection method: clinical testing. Allele origin: germline. Affected: yes.
Comment: p.Gly153Ser (GGC>AGC): c.457 G>A in exon 4 of the PUS1 gene (NM_025215.5) A G153S variant that is likely pathogenic was identified in the PUS1 gene. It has not been published as a mutation, nor has it been reported as a benign polymorphism to our knowledge. The G153S variant is a non-conservative amino acid substitution, which is likely to impact secondary protein structure as these residues differ in polarity, charge, size and/or other properties. This substitution occurs at a position that is highly conserved in vertebrates. In silico analysis predicts this variant is probably damaging to the protein structure/function. Therefore, this variant is a strong candidate for a pathogenic mutation, however the possibility that it is a benign variant cannot be excluded. The variant is found in MITONUC-MITOP panel(s).